The following is an entry in ClinVar:

NM_024685.4(BBS10):c.1572A>T (p.Thr524=)

Gene: BBS10 (Bardet-Biedl syndrome 10; minus strand). Cytogenetic location: 12q21.2.
Variant type: single nucleotide variant.
Coding change: c.1572A>T on transcript NM_024685.4 (MANE Select); coding-DNA position 1572, A replaced by T.
Protein change: p.Thr524=; no amino-acid change (threonine 524 retained).
Molecular consequence: synonymous variant.
Genome position (GRCh38, 1-based): chr12:76,346,413, T>A on the plus strand (A>T on the coding strand, the complement: BBS10 is on the minus strand). VCF-style: chr12-76346413-T-A. GRCh37 (hg19) VCF-style: chr12-76740193-T-A.
Other names: c.1572A>T (NM_024685.3).
Identifiers: ClinVar variation 2713266 (VCV002713266.4), dbSNP rs1271927802, ClinGen allele CA481010806.

ClinVar aggregate classification (germline): Likely benign. Review status: criteria provided, single submitter (1 of 4 stars). 2 submissions from 2 submitters: Likely benign (1). 1 of the submissions does not count toward it. Last evaluated 2023-03-22.

Conditions:
BBS10-related disorder. Also called: BBS10-related condition.
Bardet-Biedl syndrome (BBS). Identifiers: Orphanet 110, MedGen C0752166, MONDO:0015229.

gnomAD v4.1: 1 of 1,614,138 alleles (0.000062%); highest among the groups gnomAD compares: Non-Finnish European, 0.000085%; no homozygotes.

Submissions (2):

Labcorp Genetics (formerly Invitae), Labcorp
Classification: Likely benign for Bardet-Biedl syndrome. Last evaluated: 2023-03-22. Review status: criteria provided, single submitter. Criteria: Invitae Variant Classification Sherloc (09022015). Collection method: clinical testing. Allele origin: germline.

PreventionGenetics, part of Exact Sciences
Classification: Likely benign for BBS10-related condition. Last evaluated: 2021-08-03. Review status: no assertion criteria provided. Collection method: clinical testing. Allele origin: germline. Not counted in ClinVar's aggregate classification.
Comment: This variant is classified as likely benign based on ACMG/AMP sequence variant interpretation guidelines (Richards et al. 2015 PMID: 25741868, with internal and published modifications).